The following is an entry in ClinVar:

ClinVar aggregate classification (germline): Uncertain significance. Review status: criteria provided, multiple submitters, no conflicts (2 of 4 stars). 3 submissions from 3 submitters: Uncertain significance (3). Last evaluated 2024-08-28.

Conditions:
Retinal dystrophy. Also called: Inherited retinal dystrophy. Identifiers: Orphanet 71862, MedGen C0854723, MeSH D058499, MONDO:0019118, HP:0000556.

Allele frequency attached by ClinVar (database versions not stated): TOPMed 0.00022; ESP Exome Variant Server 0.00023; 1000 Genomes Project 0.00080.

Submissions (3):

Labcorp Genetics (formerly Invitae), Labcorp
Classification: Uncertain significance. Last evaluated: 2024-08-28. Review status: criteria provided, single submitter. Criteria: Invitae Variant Classification Sherloc (09022015). Collection method: clinical testing. Allele origin: germline.
Comment: This sequence change replaces glycine, which is neutral and non-polar, with glutamic acid, which is acidic and polar, at codon 113 of the ROM1 protein (p.Gly113Glu). This variant is present in population databases (rs145383959, gnomAD 0.03%). This missense change has been observed in individual(s) with retinitis pigmentosa that also had a variant in PRPH2 segregating with disease (PMID: 9331261). ClinVar contains an entry for this variant (Variation ID: 966950). Invitae Evidence Modeling of protein sequence and biophysical properties (such as structural, functional, and spatial information, amino acid conservation, physicochemical variation, residue mobility, and thermodynamic stability) indicates that this missense variant is not expected to disrupt ROM1 protein function with a negative predictive value of 80%. Experimental studies are conflicting or provide insufficient evidence to determine the effect of this variant on ROM1 function (PMID: 11297544). In summary, the available evidence is currently insufficient to determine the role of this variant in disease. Therefore, it has been classified as a Variant of Uncertain Significance.

Blueprint Genetics
Classification: Uncertain significance. Last evaluated: 2024-07-16. Review status: criteria provided, single submitter. Criteria: ACMG Guidelines, 2015. Collection method: clinical testing. Allele origin: germline.

Institute of Human Genetics, Univ. Regensburg, Univ. Regensburg
Classification: Uncertain significance for Retinal dystrophy. Last evaluated: 2019-01-01. Review status: criteria provided, single submitter. Criteria: ACMG Guidelines, 2015. Collection method: clinical testing. Allele origin: germline. Affected: yes.

Literature cited by the submitters: PubMed 9331261 (cited by Labcorp Genetics (formerly Invitae), Labcorp and Institute of Human Genetics, Univ. Regensburg, Univ. Regensburg); PubMed 11297544 (cited by Labcorp Genetics (formerly Invitae), Labcorp).

NM_000327.4(ROM1):c.338G>A (p.Gly113Glu)

Gene: ROM1 (retinal outer segment membrane protein 1; plus strand). Cytogenetic location: 11q12.3.
Variant type: single nucleotide variant.
Coding change: c.338G>A on transcript NM_000327.4 (MANE Select); coding-DNA position 338, G replaced by A.
Protein change: p.Gly113Glu; replaces glycine 113 with glutamic acid.
Molecular consequence: missense variant.
Genome position (GRCh38, 1-based): chr11:62,613,619, G>A. VCF-style: chr11-62613619-G-A. GRCh37 (hg19) VCF-style: chr11-62381091-G-A.
Other names: short protein forms G113E.
Identifiers: ClinVar variation 966950 (VCV000966950.7), dbSNP rs145383959, ClinGen allele CA6049716.